The following is an entry in ClinVar:

ClinVar aggregate classification (germline): Pathogenic (1 of 4 stars; one submission).

Submission:

GeneDx
Classification: Pathogenic. Last evaluated: 2022-12-05. Review status: criteria provided, single submitter. Criteria: GeneDx Variant Classification Process June 2021. Collection method: clinical testing. Allele origin: germline. Affected: yes.
Comment: Frameshift variant predicted to result in protein truncation or nonsense mediated decay in a gene for which loss of function is a known mechanism of disease; Not observed at significant frequency in large population cohorts (gnomAD); This variant is associated with the following publications: (PMID: 28191890, 31332282, 27824329, 25363768)

NM_001162501.2(TNRC6B):c.1359_1362del (p.Glu454fs)

Gene: TNRC6B (trinucleotide repeat containing adaptor 6B; plus strand). Cytogenetic location: 22q13.1.
Variant type: Microsatellite.
Coding change: c.1359_1362del on transcript NM_001162501.2 (MANE Select); coding-DNA positions 1359 to 1362, 4 bases deleted (AGAG; older notation c.1359_1362delAGAG).
Protein change: p.Glu454fs; shifts the reading frame from glutamic acid 454.
Molecular consequence: frameshift variant. On other transcripts: intron variant (1).
Genome position (GRCh38, 1-based): chr22:40,265,589-40,265,592, AGAG deleted; deleting any 4 consecutive bases within chr22:40,265,583-40,265,592 gives the same sequence; the c. name uses the placement nearest the transcript's 3' end. VCF-style (leftmost placement, unchanged base first): chr22-40265582-AAGAG-A. GRCh37 (hg19) VCF-style: chr22-40661586-AAGAG-A.
Other names: c.1359_1362del, p.Glu454fs (NM_015088.3); c.565+3410AG[3] (NM_001024843.2); short protein forms E454fs.
Identifiers: ClinVar variation 2504206 (VCV002504206.1), dbSNP rs2070466353, ClinGen allele CA1139655381.